The following is an entry in ClinVar:

ClinVar aggregate classification (germline): Uncertain significance (1 of 4 stars; one submission).

Conditions:
Primary ciliary dyskinesia. Also called: Ciliary dyskinesia. Identifiers: Orphanet 244, MedGen C0008780, MONDO:0016575, HP:0012265.

Allele frequency attached by ClinVar (database versions not stated): TOPMed below 0.00001; gnomAD 0.00001; gnomAD exomes 0.00001 and 0.00002.

Submission:

Labcorp Genetics (formerly Invitae), Labcorp
Classification: Uncertain significance for Primary ciliary dyskinesia. Last evaluated: 2018-02-21. Review status: criteria provided, single submitter. Criteria: Invitae Variant Classification Sherloc (09022015). Collection method: clinical testing. Allele origin: germline.
Comment: In summary, the available evidence is currently insufficient to determine the role of this variant in disease. Therefore, it has been classified as a Variant of Uncertain Significance. Algorithms developed to predict the effect of sequence changes on RNA splicing suggest that this variant may create or strengthen a splice site, but this prediction has not been confirmed by published transcriptional studies. Algorithms developed to predict the effect of missense changes on protein structure and function (SIFT, PolyPhen-2, Align-GVGD) all suggest that this variant is likely to be tolerated, but these predictions have not been confirmed by published functional studies and their clinical significance is uncertain. This variant has not been reported in the literature in individuals with ZMYND10-related disease. This variant is not present in population databases (ExAC no frequency). This sequence change replaces alanine with valine at codon 277 of the ZMYND10 protein (p.Ala277Val). The alanine residue is weakly conserved and there is a small physicochemical difference between alanine and valine.

NM_015896.4(ZMYND10):c.830C>T (p.Ala277Val)

Gene: ZMYND10 (zinc finger MYND-type containing 10; minus strand). Cytogenetic location: 3p21.31.
Variant type: single nucleotide variant.
Coding change: c.830C>T on transcript NM_015896.4 (MANE Select); coding-DNA position 830, C replaced by T.
Protein change: p.Ala277Val; replaces alanine 277 with valine.
Molecular consequence: missense variant.
Genome position (GRCh38, 1-based): chr3:50,342,440, G>A on the plus strand (C>T on the coding strand, the complement: ZMYND10 is on the minus strand). VCF-style: chr3-50342440-G-A. GRCh37 (hg19) VCF-style: chr3-50379871-G-A.
Other names: c.815C>T, p.Ala272Val (NM_001308379.2); short protein forms A277V, A272V.
Identifiers: ClinVar variation 565371 (VCV000565371.5), dbSNP rs1320999179, ClinGen allele CA352939357.